The following is an entry in ClinVar:

NM_001142966.3(GREB1L):c.5472+7del

Gene: GREB1L (GREB1 like retinoic acid receptor coactivator; plus strand). Cytogenetic location: 18q11.2.
Variant type: Deletion.
Coding change: c.5472+7del on transcript NM_001142966.3 (MANE Select); 7 bases into the intron after coding-DNA position 5472, one base deleted (A; older notation c.5472+7delA).
Molecular consequence: intron variant.
Genome position (GRCh38, 1-based): chr18:21,518,241, A deleted; the last of 5 consecutive A bases (chr18:21,518,237-21,518,241); deleting any one gives the same sequence. VCF-style (leftmost placement, unchanged base first): chr18-21518236-TA-T. GRCh37 (hg19) VCF-style: chr18-19098197-TA-T.
Other names: c.5601+7del (NM_001410867.1); c.5145+7del (NM_001410868.1).
Identifiers: ClinVar variation 3031352 (VCV003031352.2), dbSNP rs946709424, ClinGen allele CA296936092.

ClinVar aggregate classification (germline): Likely benign (0 of 4 stars; one submission).

Conditions:
GREB1L-related disorder. Also called: GREB1L-related condition.

Submission:

PreventionGenetics, part of Exact Sciences
Classification: Likely benign for GREB1L-related condition. Last evaluated: 2020-12-08. Review status: no assertion criteria provided. Collection method: clinical testing. Allele origin: germline.
Comment: This variant is classified as likely benign based on ACMG/AMP sequence variant interpretation guidelines (Richards et al. 2015 PMID: 25741868, with internal and published modifications).